The following is an entry in ClinVar:

ClinVar aggregate classification (germline): Conflicting classifications of pathogenicity. Review status: criteria provided, conflicting classifications (1 of 4 stars). 2 submissions from 2 submitters: Uncertain significance (1); Likely benign (1). Last evaluated 2025-07-24.

Conditions:
Multiple acyl-CoA dehydrogenase deficiency (MADD). Also called: ETHYLMALONIC-ADIPICACIDURIA; GA II; Glutaric Acidemia type 2; Glutaric aciduria, type 2; Glutaric acidemia type II; GA 2. Identifiers: Orphanet 26791, MedGen C0268596, MONDO:0009282, OMIM 231680.

Allele frequency attached by ClinVar (database versions not stated): gnomAD 0.00002 and 0.00003; gnomAD exomes 0.00002 and 0.00009; TOPMed 0.00005; ExAC 0.00007.

Submissions (2):

Labcorp Genetics (formerly Invitae), Labcorp
Classification: Likely benign for Multiple acyl-CoA dehydrogenase deficiency. Last evaluated: 2025-07-24. Review status: criteria provided, single submitter. Criteria: Invitae Variant Classification Sherloc (09022015). Collection method: clinical testing. Allele origin: germline.

GeneDx
Classification: Uncertain significance. Last evaluated: 2022-08-04. Review status: criteria provided, single submitter. Criteria: GeneDx Variant Classification Process June 2021. Collection method: clinical testing. Allele origin: germline. Affected: yes.
Comment: In silico analysis supports that this missense variant has a deleterious effect on protein structure/function; Has not been previously published as pathogenic or benign to our knowledge

NM_001985.3(ETFB):c.316C>T (p.Arg106Trp)

Gene: ETFB (electron transfer flavoprotein subunit beta; minus strand). Cytogenetic location: 19q13.41.
Variant type: single nucleotide variant.
Coding change: c.316C>T on transcript NM_001985.3 (MANE Select); coding-DNA position 316, C replaced by T.
Protein change: p.Arg106Trp; replaces arginine 106 with tryptophan.
Molecular consequence: missense variant.
Genome position (GRCh38, 1-based): chr19:51,353,191, G>A on the plus strand (C>T on the coding strand, the complement: ETFB is on the minus strand). VCF-style: chr19-51353191-G-A. GRCh37 (hg19) VCF-style: chr19-51856445-G-A.
Other names: c.589C>T, p.Arg197Trp (NM_001014763.1); short protein forms R197W, R106W.
Identifiers: ClinVar variation 1371587 (VCV001371587.6), dbSNP rs748730384, ClinGen allele CA9610799.
Genomic context (GRCh38, chr19:51,353,191, plus strand): 5'-CCTGTTTGCCCAGCAGCACCAGGTCCACCTTCTCCTTCTCTGCCAGCTTGGCCAGGACCC[G>A]AGCCACCTGCAGGGGACCCAAGCGTTCTGCTTCTGCTGGGGGCACCTCCACGTGGATACC-3'
Protein context (NP_001976.1, residues 96-116): AERLGPLQVA[Arg106Trp]VLAKLAEKEK